The following is an entry in ClinVar:

NM_001018115.3(FANCD2):c.481T>C (p.Phe161Leu)

Genes: FANCD2 (FA complementation group D2; plus strand), LOC107303338 (3p25 FANCD2 Alu-mediated recombination region; plus strand). Cytogenetic location: 3p25.3.
Variant type: single nucleotide variant.
Coding change: c.481T>C on transcript NM_001018115.3 (MANE Select); coding-DNA position 481, T replaced by C.
Protein change: p.Phe161Leu; replaces phenylalanine 161 with leucine.
Molecular consequence: missense variant.
Genome position (GRCh38, 1-based): chr3:10,036,329, T>C. VCF-style: chr3-10036329-T-C. GRCh37 (hg19) VCF-style: chr3-10078013-T-C.
Other names: c.481T>C, p.Phe161Leu (NM_001319984.2, NM_001374253.1, NM_001374254.1 and 2 more transcripts); short protein forms F161L.
Identifiers: ClinVar variation 3022763 (VCV003022763.3), dbSNP rs2470726527, ClinGen allele CA351722347.

ClinVar aggregate classification (germline): Uncertain significance (1 of 4 stars; one submission).

Conditions:
Fanconi anemia (FA). Also called: Fanconi's anemia. Identifiers: Orphanet 84, MedGen C0015625, MeSH D005199, MONDO:0019391.

Submission:

Labcorp Genetics (formerly Invitae), Labcorp
Classification: Uncertain significance for Fanconi anemia. Last evaluated: 2023-04-14. Review status: criteria provided, single submitter. Criteria: Invitae Variant Classification Sherloc (09022015). Collection method: clinical testing. Allele origin: germline.
Comment: In summary, the available evidence is currently insufficient to determine the role of this variant in disease. Therefore, it has been classified as a Variant of Uncertain Significance. Advanced modeling of protein sequence and biophysical properties (such as structural, functional, and spatial information, amino acid conservation, physicochemical variation, residue mobility, and thermodynamic stability) performed at Invitae indicates that this missense variant is not expected to disrupt FANCD2 protein function. This variant has not been reported in the literature in individuals affected with FANCD2-related conditions. This variant is not present in population databases (gnomAD no frequency). This sequence change replaces phenylalanine, which is neutral and non-polar, with leucine, which is neutral and non-polar, at codon 161 of the FANCD2 protein (p.Phe161Leu).